The following is an entry in ClinVar:

NM_017780.4(CHD7):c.497_508del (p.164QP[1])

Gene: CHD7 (chromodomain helicase DNA binding protein 7; plus strand). Cytogenetic location: 8q12.2.
Variant type: Deletion.
Coding change: c.497_508del on transcript NM_017780.4 (MANE Select); coding-DNA positions 497 to 508, 12 bases deleted (AGCCGCAGCCAC).
Protein change: p.164QP[1].
Molecular consequence: inframe deletion.
Genome position (GRCh38, 1-based): chr8:60,741,929-60,741,940, AGCCGCAGCCAC deleted; deleting any 12 consecutive bases within chr8:60,741,921-60,741,940 gives the same sequence; the c. name uses the placement nearest the transcript's 3' end. VCF-style (leftmost placement, unchanged base first): chr8-60741920-AGCAGCCACAGCC-A. GRCh37 (hg19) VCF-style: chr8-61654479-AGCAGCCACAGCC-A.
Other names: c.497_508del, p.164QP[1] (NM_001316690.1).
Identifiers: ClinVar variation 3627991 (VCV003627991.2).

ClinVar aggregate classification (germline): Uncertain significance (1 of 4 stars; one submission).

Conditions:
CHARGE syndrome (CHARGE). Also called: Hittner Hirsch Kreh syndrome; CHARGE ASSOCIATION--COLOBOMA, HEART ANOMALY, CHOANAL ATRESIA, RETARDATION, GENITAL AND EAR ANOMALIES; Coloboma, heart anomaly, choanal atresia, retardation, genital and ear anomalies; CHARGE association; Hall-Hittner syndrome. Identifiers: Orphanet 138, MedGen C0265354, MONDO:0008965.

Submission:

Labcorp Genetics (formerly Invitae), Labcorp
Classification: Uncertain significance for CHARGE syndrome. Last evaluated: 2025-02-27. Review status: criteria provided, single submitter. Criteria: Invitae Variant Classification Sherloc (09022015). Collection method: clinical testing. Allele origin: germline.
Comment: This variant, c.497_508del, results in the deletion of 4 amino acid(s) of the CHD7 protein (p.Gln166_Pro169del), but otherwise preserves the integrity of the reading frame. The frequency data for this variant in the population databases is considered unreliable, as metrics indicate poor data quality at this position in the gnomAD database. This variant has not been reported in the literature in individuals affected with CHD7-related conditions. Experimental studies and prediction algorithms are not available or were not evaluated, and the functional significance of this variant is currently unknown. In summary, the available evidence is currently insufficient to determine the role of this variant in disease. Therefore, it has been classified as a Variant of Uncertain Significance.